The following is an entry in ClinVar:

NM_015375.3(DSTYK):c.1732G>A (p.Ala578Thr)

Gene: DSTYK (dual serine/threonine and tyrosine protein kinase; minus strand). Cytogenetic location: 1q32.1.
Variant type: single nucleotide variant.
Coding change: c.1732G>A on transcript NM_015375.3 (MANE Select); coding-DNA position 1732, G replaced by A.
Protein change: p.Ala578Thr; replaces alanine 578 with threonine.
Molecular consequence: missense variant.
Genome position (GRCh38, 1-based): chr1:205,162,122, C>T on the plus strand (G>A on the coding strand, the complement: DSTYK is on the minus strand). VCF-style: chr1-205162122-C-T. GRCh37 (hg19) VCF-style: chr1-205131250-C-T.
Other names: c.1732G>A, p.Ala578Thr (NM_199462.3); short protein forms A578T.
Identifiers: ClinVar variation 4738051 (VCV004738051.1).

ClinVar aggregate classification (germline): Uncertain significance (1 of 4 stars; one submission).

gnomAD v4.1: 43 of 1,614,000 alleles (0.0027%); highest among the groups gnomAD compares: African/African-American, 0.011%; no homozygotes.

Submission:

Labcorp Genetics (formerly Invitae), Labcorp
Classification: Uncertain significance. Last evaluated: 2025-08-29. Review status: criteria provided, single submitter. Criteria: Invitae Variant Classification Sherloc (09022015). Collection method: clinical testing. Allele origin: germline.
Comment: This sequence change replaces alanine, which is neutral and non-polar, with threonine, which is neutral and polar, at codon 578 of the DSTYK protein (p.Ala578Thr). This variant is present in population databases (rs368970750, gnomAD 0.01%). This variant has not been reported in the literature in individuals affected with DSTYK-related conditions. An algorithm developed to predict the effect of missense changes on protein structure and function (PolyPhen-2) suggests that this variant is likely to be tolerated. In summary, the available evidence is currently insufficient to determine the role of this variant in disease. Therefore, it has been classified as a Variant of Uncertain Significance.